The following is an entry in ClinVar:

ClinVar aggregate classification (germline): Conflicting classifications of pathogenicity. Review status: criteria provided, conflicting classifications (1 of 4 stars). 9 submissions from 9 submitters: Uncertain significance (1); Benign (1); Likely benign (5). 2 of the submissions do not count toward it. Last evaluated 2026-01-04.

Conditions:
GJB1-related disorder. Also called: GJB1-related condition; GJB1-related disorders.
Inborn genetic diseases. Identifiers: MedGen C0950123, MeSH D030342.
Charcot-Marie-Tooth disease. Also called: Charcot-Marie-Tooth Neuropathy; Charcot-Marie-Tooth Hereditary Neuropathy. Identifiers: Orphanet 166, MedGen C0007959, MONDO:0015626.
Charcot-Marie-Tooth Neuropathy X. Identifiers: MedGen CN118851.
Charcot-Marie-Tooth disease X-linked dominant 1. Also called: CHARCOT-MARIE-TOOTH NEUROPATHY, X-LINKED, 1; CHARCOT-MARIE-TOOTH PERONEAL MUSCULAR ATROPHY, X-LINKED; Charcot-Marie-Tooth Neuropathy X Type 1; X-linked Charcot-Marie-Tooth disease type 1; GJB1 Disorders: Charcot-Marie-Tooth Neuropathy (CMT1X) and Central Nervous System Phenotypes; HEREDITARY MOTOR AND SENSORY NEUROPATHY, X-LINKED. Identifiers: Orphanet 101075, MedGen C0393808, MONDO:0010549, OMIM 302800.

Allele frequency attached by ClinVar (database versions not stated): TOPMed 0.00010; gnomAD exomes 0.00011 and 0.00016; gnomAD 0.00014; ExAC 0.00016.

Submissions (9):

Labcorp Genetics (formerly Invitae), Labcorp
Classification: Likely benign for Charcot-Marie-Tooth Neuropathy X. Last evaluated: 2026-01-04. Review status: criteria provided, single submitter. Criteria: Invitae Variant Classification Sherloc (09022015). Collection method: clinical testing. Allele origin: germline.

PreventionGenetics, part of Exact Sciences
Classification: Likely benign for GJB1-related condition. Last evaluated: 2025-11-03. Review status: criteria provided, single submitter. Criteria: ACMG Guidelines, 2015. Collection method: clinical testing. Allele origin: germline.
Comment: This variant is classified as likely benign based on ACMG/AMP sequence variant interpretation guidelines (Richards et al. 2015 PMID: 25741868, with internal and published modifications).

Women's Health and Genetics/Laboratory Corporation of America, LabCorp
Classification: Likely benign. Last evaluated: 2025-05-05. Review status: criteria provided, single submitter. Criteria: LabCorp Variant Classification Summary - May 2015. Collection method: clinical testing. Allele origin: germline.
Comment: Variant summary: GJB1 c.688C>T (p.Arg230Cys) results in a non-conservative amino acid change in the encoded protein sequence. Algorithms developed to predict the effect of missense changes on protein structure and function all suggest that this variant is likely to be disruptive. The variant allele was found at a frequency of 0.00017 in 1208253 control chromosomes, predominantly at a frequency of 0.00025 within the Other subpopulation in the gnomAD database. The observed variant frequency within Other control individuals in the gnomAD database is approximately 1.33 fold of the estimated maximal expected allele frequency for a pathogenic variant in GJB1 causing Charcot-Marie-Tooth disease X-linked dominant 1 phenotype (0.00019). c.688C>T has been observed in individuals affected with Charcot-Marie-Tooth disease X-linked dominant 1 (e.g., Bone_1997). These reports do not provide unequivocal conclusions about association of the variant with Charcot-Marie-Tooth disease X-linked dominant 1. To our knowledge, no experimental evidence demonstrating an impact on protein function has been reported. The following publication has been ascertained in the context of this evaluation (PMID: 9361298). ClinVar contains an entry for this variant (Variation ID: 157521). Based on the evidence outlined above, the variant was classified as likely benign.

Athena Diagnostics
Classification: Uncertain significance. Last evaluated: 2024-06-13. Review status: criteria provided, single submitter. Criteria: Athena Diagnostics Criteria. Collection method: clinical testing. Allele origin: unknown.
Comment: Available data are insufficient to determine the clinical significance of the variant at this time. The frequency of this variant in the general population is higher than would generally be expected for pathogenic variants in this gene. This variant appears to be associated with disease in at least one family, however, the available information does not rule out an apparent association due to chance. Assessment of experimental evidence suggests this variant results in abnormal protein function. (PMID: 26542351)

Fulgent Genetics
Classification: Likely benign for Charcot-Marie-Tooth disease X-linked dominant 1. Last evaluated: 2022-04-12. Review status: criteria provided, single submitter. Criteria: ACMG Guidelines, 2015. Collection method: clinical testing. Allele origin: unknown.

Ambry Genetics
Classification: Likely benign for Inborn genetic diseases. Last evaluated: 2020-05-27. Review status: criteria provided, single submitter. Criteria: Ambry Variant Classification Scheme 2023. Collection method: clinical testing. Allele origin: germline.

GeneDx
Classification: Benign. Last evaluated: 2018-02-19. Review status: criteria provided, single submitter. Criteria: GeneDx Variant Classification (06012015). Collection method: clinical testing. Allele origin: germline. Affected: yes.
Comment: This variant is considered likely benign or benign based on one or more of the following criteria: it is a conservative change, it occurs at a poorly conserved position in the protein, it is predicted to be benign by multiple in silico algorithms, and/or has population frequency not consistent with disease.

Natera, Inc.
Classification: Likely benign for Charcot-Marie-Tooth disease. Last evaluated: 2020-01-22. Review status: no assertion criteria provided. Collection method: clinical testing. Allele origin: germline. Not counted in ClinVar's aggregate classification.

Dept. of Medical Genetics, Telemark Hospital Trust, Telemark Hospital Trust
Classification: Pathogenic for Charcot-Marie-Tooth disease. Last evaluated: 2013-11-01. Review status: no assertion criteria provided. Collection method: research. Allele origin: inherited. Affected: yes. Study: Charcot-Marie-Tooth disease study. Not counted in ClinVar's aggregate classification.
Comment: pathogenic in males not in females

Populational based study of Charcot-Marie-Tooth disease in Norway

Literature cited by the submitters: PubMed 9361298 (cited by 3 submitters); PubMed 12460545 (cited by Athena Diagnostics and Dept. of Medical Genetics, Telemark Hospital Trust, Telemark Hospital Trust); PubMed 9888385 (cited by Athena Diagnostics); PubMed 25614874 (cited by Athena Diagnostics); PubMed 26542351 (cited by Athena Diagnostics); PubMed 22718765 (cited by Athena Diagnostics); PubMed 21692908 (cited by Athena Diagnostics); PubMed 25025039 (cited by Athena Diagnostics and Dept. of Medical Genetics, Telemark Hospital Trust, Telemark Hospital Trust); PMC 4306395 (cited by Dept. of Medical Genetics, Telemark Hospital Trust, Telemark Hospital Trust).

NM_000166.6(GJB1):c.688C>T (p.Arg230Cys)

Gene: GJB1 (gap junction protein beta 1; plus strand). Cytogenetic location: Xq13.1.
Variant type: single nucleotide variant.
Coding change: c.688C>T on transcript NM_000166.6 (MANE Select); coding-DNA position 688, C replaced by T.
Protein change: p.Arg230Cys; replaces arginine 230 with cysteine.
Molecular consequence: missense variant.
Genome position (GRCh38, 1-based): chrX:71,224,395, C>T. VCF-style: chrX-71224395-C-T. GRCh37 (hg19) VCF-style: chrX-70444245-C-T.
Other names: c.688C>T, p.Arg230Cys (NM_001097642.3); short protein forms R230C.
Identifiers: ClinVar variation 157521 (VCV000157521.21), dbSNP rs587781246, ClinGen allele CA270921.